The following is an entry in ClinVar:

ClinVar aggregate classification (germline): Likely pathogenic (1 of 4 stars; one submission).

Conditions:
Ataxia-telangiectasia syndrome (AT). Also called: LOUIS-BAR SYNDROME; Ataxia-telangiectasia, complementation group D; AT, COMPLEMENTATION GROUP C; ATAXIA-TELANGIECTASIA, COMPLEMENTATION GROUP A; ATAXIA-TELANGIECTASIA, FRESNO VARIANT; Ataxia-telangiectasia. Identifiers: Orphanet 100, MedGen C0004135, MONDO:0008840, OMIM 208900.
Familial cancer of breast. Also called: hereditary breast carcinoma; Hereditary breast cancer; BREAST CANCER, FAMILIAL. Identifiers: Orphanet 227535, MedGen C0346153, MONDO:0016419, OMIM 114480. Disease mechanism: loss of function.

Submission:

Juno Genomics, Hangzhou Juno Genomics, Inc
Classification: Likely pathogenic for Familial cancer of breast; Ataxia-telangiectasia syndrome. Review status: criteria provided, single submitter. Criteria: ACMG Guidelines, 2015. Collection method: clinical testing. Allele origin: germline.
Comment: Null variant in a gene where loss of function (LOF) is a known mechanism of disease.;Absent from controls (or at extremely low frequency if recessive) in Genome Aggregation Database.

NM_000051.4(ATM):c.1776del (p.Ser592fs)

Gene: ATM (ATM serine/threonine kinase; plus strand). Cytogenetic location: 11q22.3.
Variant type: Deletion.
Coding change: c.1776del on transcript NM_000051.4 (MANE Select); coding-DNA position 1776, one base deleted (C; older notation c.1776delC).
Protein change: p.Ser592fs; shifts the reading frame from serine 592.
Molecular consequence: frameshift variant.
Genome position (GRCh38, 1-based): chr11:108,252,005, C deleted. VCF-style (leftmost placement, unchanged base first): chr11-108252004-GC-G. GRCh37 (hg19) VCF-style: chr11-108122731-GC-G.
Other names: c.1776del, p.Ser592fs (NM_001351834.2); short protein forms S592fs.
Identifiers: ClinVar variation 5007766 (VCV005007766.2).